The following is an entry in ClinVar:

ClinVar aggregate classification (germline): Uncertain significance. Review status: criteria provided, multiple submitters, no conflicts (2 of 4 stars). 2 submissions from 2 submitters: Uncertain significance (2). Last evaluated 2024-08-12.

Allele frequency attached by ClinVar (database versions not stated): gnomAD 0.00002; gnomAD exomes 0.00002 and 0.00005; TOPMed 0.00003; ExAC 0.00008.

Submissions (2):

Blueprint Genetics
Classification: Uncertain significance. Last evaluated: 2024-08-12. Review status: criteria provided, single submitter. Criteria: ACMG Guidelines, 2015. Collection method: clinical testing. Allele origin: germline.

Labcorp Genetics (formerly Invitae), Labcorp
Classification: Uncertain significance. Last evaluated: 2023-07-14. Review status: criteria provided, single submitter. Criteria: Invitae Variant Classification Sherloc (09022015). Collection method: clinical testing. Allele origin: germline.
Comment: In summary, the available evidence is currently insufficient to determine the role of this variant in disease. Therefore, it has been classified as a Variant of Uncertain Significance. This sequence change replaces valine, which is neutral and non-polar, with alanine, which is neutral and non-polar, at codon 21 of the REEP6 protein (p.Val21Ala). The frequency data for this variant in the population databases is considered unreliable, as metrics indicate poor data quality at this position in the gnomAD database. This variant has not been reported in the literature in individuals affected with REEP6-related conditions. ClinVar contains an entry for this variant (Variation ID: 964902). Algorithms developed to predict the effect of missense changes on protein structure and function output the following: SIFT: "Not Available"; PolyPhen-2: "Not Available"; Align-GVGD: "Not Available". The alanine amino acid residue is found in multiple mammalian species, which suggests that this missense change does not adversely affect protein function.

NM_138393.4(REEP6):c.62T>C (p.Val21Ala)

Genes: REEP6 (receptor accessory protein 6; plus strand), LOC130062963 (ATAC-STARR-seq lymphoblastoid silent region 9724; plus strand). Cytogenetic location: 19p13.3.
Variant type: single nucleotide variant.
Coding change: c.62T>C on transcript NM_138393.4 (MANE Select); coding-DNA position 62, T replaced by C.
Protein change: p.Val21Ala; replaces valine 21 with alanine.
Molecular consequence: missense variant.
Genome position (GRCh38, 1-based): chr19:1,491,331, T>C. VCF-style: chr19-1491331-T-C. GRCh37 (hg19) VCF-style: chr19-1491330-T-C.
Other names: c.62T>C, p.Val21Ala (NM_001329556.3); short protein forms V21A.
Identifiers: ClinVar variation 964902 (VCV000964902.7), dbSNP rs746879220, ClinGen allele CA9047376.
Genomic context (GRCh38, chr19:1,491,331, plus strand): 5'-TGGACGGCCTGAGGCAGCGCGTGGAGCACTTCCTGGAGCAAAGGAACCTGGTCACCGAAG[T>C]GCTGGGGGCGCTGGAGGCCAAGACCGGGGTGGAGAAGCGGTATCTGGCTGCAGGTGAGCC-3'
Protein context (NP_612402.1, residues 11-31): FLEQRNLVTE[Val21Ala]LGALEAKTGV